The following is an entry in ClinVar:

NM_000138.5(FBN1):c.2677+11C>T

Gene: FBN1 (fibrillin 1; minus strand). Cytogenetic location: 15q21.1.
Variant type: single nucleotide variant.
Coding change: c.2677+11C>T on transcript NM_000138.5 (MANE Select); 11 bases into the intron after coding-DNA position 2677, C replaced by T.
Molecular consequence: intron variant.
Genome position (GRCh38, 1-based): chr15:48,495,112, G>A on the plus strand (C>T on the coding strand, the complement: FBN1 is on the minus strand). VCF-style: chr15-48495112-G-A. GRCh37 (hg19) VCF-style: chr15-48787309-G-A.
Other names: c.2677+11C>T (NM_000138.4).
Identifiers: ClinVar variation 2445727 (VCV002445727.2), dbSNP rs1296748097, ClinGen allele CA713392769.

ClinVar aggregate classification (germline): Conflicting classifications of pathogenicity. Review status: criteria provided, conflicting classifications (1 of 4 stars). 2 submissions from 2 submitters: Uncertain significance (1); Likely benign (1). Last evaluated 2025-08-02.

Conditions:
Marfan syndrome (MFS). Also called: MARFAN SYNDROME, TYPE I; FBN1-Related Marfan Syndrome; Marfan syndrome type 1; Marfan's syndrome; Marfan syndrome, classic. Identifiers: Orphanet 284963, Orphanet 558, MedGen C0024796, MONDO:0007947, OMIM 154700.
Familial thoracic aortic aneurysm and aortic dissection (TAAD). Also called: Thoracic aortic aneurysms and dissections. Identifiers: Orphanet 91387, MedGen C4707243, MONDO:0019625.

Allele frequency attached by ClinVar (database versions not stated): gnomAD exomes 0.00001; TOPMed below 0.00001.
gnomAD v4.1: 8 of 1,614,016 alleles (0.0005%); highest among the groups gnomAD compares: Non-Finnish European, 0.00068%; no homozygotes.

Submissions (2):

Labcorp Genetics (formerly Invitae), Labcorp
Classification: Likely benign for Marfan syndrome; Familial thoracic aortic aneurysm and aortic dissection. Last evaluated: 2025-08-02. Review status: criteria provided, single submitter. Criteria: Invitae Variant Classification Sherloc (09022015). Collection method: clinical testing. Allele origin: germline.

Women's Health and Genetics/Laboratory Corporation of America, LabCorp
Classification: Uncertain significance. Last evaluated: 2023-02-06. Review status: criteria provided, single submitter. Criteria: LabCorp Variant Classification Summary - May 2015. Collection method: clinical testing. Allele origin: germline.
Comment: Variant summary: FBN1 c.2677+11C>T alters a non-conserved nucleotide located close to a canonical splice site and therefore could affect mRNA splicing, leading to a significantly altered protein sequence. 4/4 computational tools predict no significant impact on normal splicing. However, these predictions have yet to be confirmed by functional studies. The variant was absent in 250880 control chromosomes (gnomAD). The available data on variant occurrences in the general population are insufficient to allow any conclusion about variant significance. To our knowledge, no occurrence of c.2677+11C>T in individuals affected with Marfan Syndrome and no experimental evidence demonstrating its impact on protein function have been reported. No clinical diagnostic laboratories have submitted clinical-significance assessments for this variant to ClinVar after 2014. Based on the evidence outlined above, the variant was classified as uncertain significance.